The following is an entry in ClinVar:

NM_001364905.1(LRBA):c.8248G>A (p.Gly2750Ser)

Gene: LRBA (LPS responsive beige-like anchor protein; minus strand). Cytogenetic location: 4q31.3.
Variant type: single nucleotide variant.
Coding change: c.8248G>A on transcript NM_001364905.1 (MANE Select); coding-DNA position 8248, G replaced by A.
Protein change: p.Gly2750Ser; replaces glycine 2750 with serine.
Molecular consequence: missense variant.
Genome position (GRCh38, 1-based): chr4:150,282,518, C>T on the plus strand (G>A on the coding strand, the complement: LRBA is on the minus strand). VCF-style: chr4-150282518-C-T. GRCh37 (hg19) VCF-style: chr4-151203670-C-T.
Other names: c.8245G>A, p.Gly2749Ser (NM_001199282.3); c.8263G>A, p.Gly2755Ser (NM_001367550.1); c.8281G>A, p.Gly2761Ser (NM_006726.5); short protein forms G2761S, G2750S, G2755S, G2749S.
Identifiers: ClinVar variation 565785 (VCV000565785.8), dbSNP rs746434010, ClinGen allele CA3101406.

ClinVar aggregate classification (germline): Uncertain significance. Review status: criteria provided, multiple submitters, no conflicts (2 of 4 stars). 2 submissions from 2 submitters: Uncertain significance (2). Last evaluated 2023-08-17.

Conditions:
Combined immunodeficiency due to LRBA deficiency. Also called: Common variable immunodeficiency 8, with autoimmunity. Identifiers: Orphanet 445018, MedGen C3553512, MONDO:0013863, OMIM 614700.

Allele frequency attached by ClinVar (database versions not stated): ExAC 0.00001; gnomAD exomes 0.00001; gnomAD 0.00003 and 0.00004; TOPMed 0.00003.

Submissions (2):

Blueprint Genetics
Classification: Uncertain significance. Last evaluated: 2023-08-17. Review status: criteria provided, single submitter. Criteria: ACMG Guidelines, 2015. Collection method: clinical testing. Allele origin: germline.

Labcorp Genetics (formerly Invitae), Labcorp
Classification: Uncertain significance for Combined immunodeficiency due to LRBA deficiency. Last evaluated: 2021-09-01. Review status: criteria provided, single submitter. Criteria: Invitae Variant Classification Sherloc (09022015). Collection method: clinical testing. Allele origin: germline.
Comment: This sequence change replaces glycine with serine at codon 2761 of the LRBA protein (p.Gly2761Ser). The glycine residue is highly conserved and there is a small physicochemical difference between glycine and serine. This variant is present in population databases (rs746434010, ExAC 0.01%). This variant has not been reported in the literature in individuals affected with LRBA-related conditions. Algorithms developed to predict the effect of missense changes on protein structure and function are either unavailable or do not agree on the potential impact of this missense change (SIFT: "Tolerated"; PolyPhen-2: "Possibly Damaging"; Align-GVGD: "Class C0"). Algorithms developed to predict the effect of sequence changes on RNA splicing suggest that this variant may create or strengthen a splice site. In summary, the available evidence is currently insufficient to determine the role of this variant in disease. Therefore, it has been classified as a Variant of Uncertain Significance.